The following is an entry in ClinVar:

ClinVar aggregate classification (germline): Uncertain significance (1 of 4 stars; one submission).

gnomAD v4.1: 4 of 1,614,232 alleles (0.00025%); highest among the groups gnomAD compares: Admixed American, 0.0067%; no homozygotes.

Submission:

CeGaT Center for Human Genetics Tuebingen
Classification: Uncertain significance. Last evaluated: 2026-02-01. Review status: criteria provided, single submitter. Criteria: CeGaT Center For Human Genetics Tuebingen Variant Classification Criteria Version 2. Collection method: clinical testing. Allele origin: germline. Affected: yes. Observed: 1 variant allele.
Comment: LAMA1: PM2, BP4

NM_005559.4(LAMA1):c.6116C>T (p.Thr2039Ile)

Gene: LAMA1 (laminin subunit alpha 1; minus strand). Cytogenetic location: 18p11.31.
Variant type: single nucleotide variant.
Coding change: c.6116C>T on transcript NM_005559.4 (MANE Select); coding-DNA position 6116, C replaced by T.
Protein change: p.Thr2039Ile; replaces threonine 2039 with isoleucine.
Molecular consequence: missense variant.
Genome position (GRCh38, 1-based): chr18:6,978,270, G>A on the plus strand (C>T on the coding strand, the complement: LAMA1 is on the minus strand). VCF-style: chr18-6978270-G-A. GRCh37 (hg19) VCF-style: chr18-6978269-G-A.
Other names: short protein forms T2039I.
Identifiers: ClinVar variation 4823407 (VCV004823407.4).